The following is an entry in ClinVar:

ClinVar aggregate classification (germline): Uncertain significance (1 of 4 stars; one submission).

Conditions:
MC4R-related disorder. Also called: MC4R-related condition.

gnomAD v4.1: 1 of 1,614,272 alleles (0.000062%); highest among the groups gnomAD compares: Admixed American, 0.0017%; no homozygotes.

Submission:

PreventionGenetics, part of Exact Sciences
Classification: Uncertain significance for MC4R-related condition. Last evaluated: 2025-06-25. Review status: criteria provided, single submitter. Criteria: ACMG Guidelines, 2015. Collection method: clinical testing. Allele origin: germline.
Comment: The MC4R c.238T>A variant is predicted to result in the amino acid substitution p.Tyr80Asn. To our knowledge, this variant has not been reported in the literature or in a large population database (gnomAD), indicating this variant is rare. At this time, the clinical significance of this variant is uncertain due to the absence of conclusive functional and genetic evidence.

NM_005912.3(MC4R):c.238T>A (p.Tyr80Asn)

Gene: MC4R (melanocortin 4 receptor; minus strand). Cytogenetic location: 18q21.32.
Variant type: single nucleotide variant.
Coding change: c.238T>A on transcript NM_005912.3 (MANE Select); coding-DNA position 238, T replaced by A.
Protein change: p.Tyr80Asn; replaces tyrosine 80 with asparagine.
Molecular consequence: missense variant.
Genome position (GRCh38, 1-based): chr18:60,372,112, A>T on the plus strand (T>A on the coding strand, the complement: MC4R is on the minus strand). VCF-style: chr18-60372112-A-T. GRCh37 (hg19) VCF-style: chr18-58039345-A-T.
Other names: short protein forms Y80N.
Identifiers: ClinVar variation 4990367 (VCV004990367.1).
Genomic context (GRCh38, chr18:60,372,112, plus strand): 5'-CTGATCCATTTGAAACGCTCACCAGCATATCAGCCACAGCCAAGCTGCAGATGAAAAAGT[A>T]CATGGGTGAATGCAGATTCTTGTTCTTGGCTATTGCCACAATCACTAAGATATTCTCCAA-3'
Protein context (NP_005903.2, residues 70-90): AKNKNLHSPM[Tyr80Asn]FFICSLAVAD